The following is an entry in ClinVar:

NM_003502.4(AXIN1):c.1614C>T (p.His538=)

Gene: AXIN1 (axin 1; minus strand). Cytogenetic location: 16p13.3.
Variant type: single nucleotide variant.
Coding change: c.1614C>T on transcript NM_003502.4 (MANE Select); coding-DNA position 1614, C replaced by T.
Protein change: p.His538=; no amino-acid change (histidine 538 retained).
Molecular consequence: synonymous variant. On other transcripts: non-coding transcript variant (1).
Genome position (GRCh38, 1-based): chr16:297,892, G>A on the plus strand (C>T on the coding strand, the complement: AXIN1 is on the minus strand). VCF-style: chr16-297892-G-A. GRCh37 (hg19) VCF-style: chr16-347892-G-A.
Other names: c.1614C>T, p.His538= (NM_181050.3).
Identifiers: ClinVar variation 3053183 (VCV003053183.2), dbSNP rs374978030, ClinGen allele CA7774139.

ClinVar aggregate classification (germline): Likely benign (0 of 4 stars; one submission).

Conditions:
AXIN1-related disorder. Also called: AXIN1-related condition.

Allele frequency attached by ClinVar (database versions not stated): ExAC 0.00001; gnomAD 0.00003; gnomAD exomes 0.00004; TOPMed 0.00007; ESP Exome Variant Server 0.00008.
gnomAD v4.1: 65 of 1,592,204 alleles (0.0041%); highest among the groups gnomAD compares: Non-Finnish European, 0.0048%; no homozygotes.

Submission:

PreventionGenetics, part of Exact Sciences
Classification: Likely benign for AXIN1-related condition. Last evaluated: 2019-09-04. Review status: no assertion criteria provided. Collection method: clinical testing. Allele origin: germline.
Comment: This variant is classified as likely benign based on ACMG/AMP sequence variant interpretation guidelines (Richards et al. 2015 PMID: 25741868, with internal and published modifications).